The following is an entry in ClinVar:

ClinVar aggregate classification (germline): Uncertain significance. Review status: criteria provided, multiple submitters, no conflicts (2 of 4 stars). 4 submissions from 4 submitters: Uncertain significance (3). 1 of the submissions does not count toward it. Last evaluated 2025-07-16.

Conditions:
Bloom syndrome (BLM). Also called: Bloom-Torre-Machacek syndrome. Identifiers: Orphanet 125, MedGen C0005859, MONDO:0008876, OMIM 210900.
Hereditary cancer-predisposing syndrome. Also called: Neoplastic Syndromes, Hereditary; Tumor predisposition; Hereditary neoplastic syndrome; Hereditary Cancer Syndrome. Identifiers: Orphanet 140162, MedGen C0027672, MeSH D009386, MONDO:0015356.

Allele frequency attached by ClinVar (database versions not stated): TOPMed 0.00001; gnomAD 0.00002; gnomAD exomes 0.00002 and 0.00005; ExAC 0.00006; ESP Exome Variant Server 0.00008.
gnomAD v4.1: 31 of 1,613,998 alleles (0.0019%); highest among the groups gnomAD compares: South Asian, 0.025%; no homozygotes.

Submissions (4):

Quest Diagnostics Nichols Institute San Juan Capistrano
Classification: Uncertain significance. Last evaluated: 2025-07-16. Review status: criteria provided, single submitter. Criteria: Quest Diagnostics criteria. Collection method: clinical testing. Allele origin: unknown.
Comment: The BLM c.3770C>T (p.Pro1257Leu) variant has not been reported in individuals with BLM-related conditions in the published literature. The frequency of this variant in the general population (Genome Aggregation Database) is uninformative in the assessment of its pathogenicity. Analysis of this variant using bioinformatics tools for the prediction of the effect of amino acid changes on protein structure and function yielded predictions that this variant is benign. Based on the available information, we are unable to determine the clinical significance of this variant.

Labcorp Genetics (formerly Invitae), Labcorp
Classification: Uncertain significance for Bloom syndrome. Last evaluated: 2024-11-20. Review status: criteria provided, single submitter. Criteria: Invitae Variant Classification Sherloc (09022015). Collection method: clinical testing. Allele origin: germline.
Comment: This sequence change replaces proline, which is neutral and non-polar, with leucine, which is neutral and non-polar, at codon 1257 of the BLM protein (p.Pro1257Leu). This variant is present in population databases (rs372134818, gnomAD 0.04%). This variant has not been reported in the literature in individuals affected with BLM-related conditions. ClinVar contains an entry for this variant (Variation ID: 824188). Invitae Evidence Modeling of protein sequence and biophysical properties (such as structural, functional, and spatial information, amino acid conservation, physicochemical variation, residue mobility, and thermodynamic stability) indicates that this missense variant is not expected to disrupt BLM protein function with a negative predictive value of 80%. In summary, the available evidence is currently insufficient to determine the role of this variant in disease. Therefore, it has been classified as a Variant of Uncertain Significance.

Ambry Genetics
Classification: Uncertain significance for Hereditary cancer-predisposing syndrome. Last evaluated: 2022-03-31. Review status: criteria provided, single submitter. Criteria: Ambry Variant Classification Scheme 2023. Collection method: clinical testing. Allele origin: germline.
Comment: The p.P1257L variant (also known as c.3770C>T), located in coding exon 19 of the BLM gene, results from a C to T substitution at nucleotide position 3770. The proline at codon 1257 is replaced by leucine, an amino acid with similar properties. This amino acid position is well conserved in available vertebrate species. In addition, the in silico prediction for this alteration is inconclusive. Since supporting evidence is limited at this time, the clinical significance of this alteration remains unclear.

Natera, Inc.
Classification: Uncertain significance for Bloom syndrome. Last evaluated: 2021-05-09. Review status: no assertion criteria provided. Collection method: clinical testing. Allele origin: germline. Not counted in ClinVar's aggregate classification.

NM_000057.4(BLM):c.3770C>T (p.Pro1257Leu)

Gene: BLM (BLM RecQ like helicase; plus strand). Cytogenetic location: 15q26.1.
Variant type: single nucleotide variant.
Coding change: c.3770C>T on transcript NM_000057.4 (MANE Select); coding-DNA position 3770, C replaced by T.
Protein change: p.Pro1257Leu; replaces proline 1257 with leucine.
Molecular consequence: missense variant.
Genome position (GRCh38, 1-based): chr15:90,809,155, C>T. VCF-style: chr15-90809155-C-T. GRCh37 (hg19) VCF-style: chr15-91352385-C-T.
Other names: c.3770C>T, p.Pro1257Leu (NM_001287246.2); c.3377C>T, p.Pro1126Leu (NM_001287247.2); c.2645C>T, p.Pro882Leu (NM_001287248.2); c.3770C>T (NM_000057.3); short protein forms P1126L, P1257L, P882L.
Identifiers: ClinVar variation 824188 (VCV000824188.9), dbSNP rs372134818, ClinGen allele CA7739110.